The following is an entry in ClinVar:

NM_015073.3(SIPA1L3):c.1366G>A (p.Glu456Lys)

Gene: SIPA1L3 (signal induced proliferation associated 1 like 3; plus strand). Cytogenetic location: 19q13.13.
Variant type: single nucleotide variant.
Coding change: c.1366G>A on transcript NM_015073.3 (MANE Select); coding-DNA position 1366, G replaced by A.
Protein change: p.Glu456Lys; replaces glutamic acid 456 with lysine.
Molecular consequence: missense variant.
Genome position (GRCh38, 1-based): chr19:38,082,931, G>A. VCF-style: chr19-38082931-G-A. GRCh37 (hg19) VCF-style: chr19-38573571-G-A.
Other names: c.1366G>A (NM_015073.1); short protein forms E456K.
Identifiers: ClinVar variation 1388668 (VCV001388668.7), dbSNP rs773166535, ClinGen allele CA9409360.

ClinVar aggregate classification (germline): Uncertain significance. Review status: criteria provided, multiple submitters, no conflicts (2 of 4 stars). 2 submissions from 2 submitters: Uncertain significance (2). Last evaluated 2025-12-04.

Allele frequency attached by ClinVar (database versions not stated): gnomAD exomes 0.00002 and 0.00004; ExAC 0.00003; TOPMed 0.00003; gnomAD 0.00005 and 0.00006.
gnomAD v4.1: 35 of 1,612,994 alleles (0.0022%); highest among the groups gnomAD compares: Admixed American, 0.018%; no homozygotes.

Submissions (2):

Labcorp Genetics (formerly Invitae), Labcorp
Classification: Uncertain significance. Last evaluated: 2025-12-04. Review status: criteria provided, single submitter. Criteria: Invitae Variant Classification Sherloc (09022015). Collection method: clinical testing. Allele origin: germline.
Comment: This sequence change replaces glutamic acid, which is acidic and polar, with lysine, which is basic and polar, at codon 456 of the SIPA1L3 protein (p.Glu456Lys). This variant is present in population databases (rs773166535, gnomAD 0.03%). This variant has not been reported in the literature in individuals affected with SIPA1L3-related conditions. ClinVar contains an entry for this variant (Variation ID: 1388668). An algorithm developed to predict the effect of missense changes on protein structure and function (PolyPhen-2) suggests that this variant is likely to be tolerated. In summary, the available evidence is currently insufficient to determine the role of this variant in disease. Therefore, it has been classified as a Variant of Uncertain Significance.

Ambry Genetics
Classification: Uncertain significance. Last evaluated: 2022-09-07. Review status: criteria provided, single submitter. Criteria: Ambry Variant Classification Scheme 2023. Collection method: clinical testing. Allele origin: germline.